The following is an entry in ClinVar:

NM_000179.3(MSH6):c.2890T>C (p.Cys964Arg)

Gene: MSH6 (mutS homolog 6; plus strand). Cytogenetic location: 2p16.3.
Variant type: single nucleotide variant.
Coding change: c.2890T>C on transcript NM_000179.3 (MANE Select); coding-DNA position 2890, T replaced by C.
Protein change: p.Cys964Arg; replaces cysteine 964 with arginine.
Molecular consequence: missense variant.
Genome position (GRCh38, 1-based): chr2:47,800,873, T>C. VCF-style: chr2-47800873-T-C. GRCh37 (hg19) VCF-style: chr2-48028012-T-C.
Other names: c.2500T>C, p.Cys834Arg (NM_001281492.2); c.1984T>C, p.Cys662Arg (NM_001281493.2, NM_001281494.2); short protein forms C834R, C964R, C662R.
Identifiers: ClinVar variation 864132 (VCV000864132.10), dbSNP rs1669523927, ClinGen allele CA346756062.

ClinVar aggregate classification (germline): Uncertain significance (1 of 4 stars; one submission).

Conditions:
Hereditary nonpolyposis colorectal neoplasms. Identifiers: MedGen C0009405, MeSH D003123.

Submission:

Labcorp Genetics (formerly Invitae), Labcorp
Classification: Uncertain significance for Hereditary nonpolyposis colorectal neoplasms. Last evaluated: 2022-09-13. Review status: criteria provided, single submitter. Criteria: Invitae Variant Classification Sherloc (09022015). Collection method: clinical testing. Allele origin: germline.
Comment: In summary, the available evidence is currently insufficient to determine the role of this variant in disease. Therefore, it has been classified as a Variant of Uncertain Significance. Advanced modeling of protein sequence and biophysical properties (such as structural, functional, and spatial information, amino acid conservation, physicochemical variation, residue mobility, and thermodynamic stability) has been performed at Invitae for this missense variant, however the output from this modeling did not meet the statistical confidence thresholds required to predict the impact of this variant on MSH6 protein function. ClinVar contains an entry for this variant (Variation ID: 864132). This variant has not been reported in the literature in individuals affected with MSH6-related conditions. This variant is not present in population databases (gnomAD no frequency). This sequence change replaces cysteine, which is neutral and slightly polar, with arginine, which is basic and polar, at codon 964 of the MSH6 protein (p.Cys964Arg).